The following is an entry in ClinVar:

NM_016188.5(ACTL6B):c.936+5G>C

Gene: ACTL6B (actin like 6B; minus strand). Cytogenetic location: 7q22.1.
Variant type: single nucleotide variant.
Coding change: c.936+5G>C on transcript NM_016188.5 (MANE Select); 5 bases into the intron after coding-DNA position 936, G replaced by C.
Molecular consequence: intron variant.
Genome position (GRCh38, 1-based): chr7:100,646,966, C>G on the plus strand (G>C on the coding strand, the complement: ACTL6B is on the minus strand). VCF-style: chr7-100646966-C-G. GRCh37 (hg19) VCF-style: chr7-100244589-C-G.
Identifiers: ClinVar variation 1879695 (VCV001879695.29), dbSNP rs1803835522, ClinGen allele CA2580075995.

ClinVar aggregate classification (germline): Uncertain significance (1 of 4 stars; one submission).

Submission:

CeGaT Center for Human Genetics Tuebingen
Classification: Uncertain significance. Last evaluated: 2022-09-01. Review status: criteria provided, single submitter. Criteria: CeGaT Center For Human Genetics Tuebingen Variant Classification Criteria Version 2. Collection method: clinical testing. Allele origin: germline. Affected: yes. Observed: 1 variant allele.
Comment: ACTL6B: PM2, BP4